The following is an entry in ClinVar:

ClinVar aggregate classification (germline): Uncertain significance (1 of 4 stars; one submission).

Conditions:
Familial thoracic aortic aneurysm and aortic dissection (TAAD). Also called: Thoracic aortic aneurysms and dissections. Identifiers: Orphanet 91387, MedGen C4707243, MONDO:0019625.

Submission:

Ambry Genetics
Classification: Uncertain significance for Familial thoracic aortic aneurysm and aortic dissection. Last evaluated: 2022-05-09. Review status: criteria provided, single submitter. Criteria: Ambry Variant Classification Scheme 2023. Collection method: clinical testing. Allele origin: germline.
Comment: The p.R1203G variant (also known as c.3607C>G), located in coding exon 46 of the COL5A1 gene, results from a C to G substitution at nucleotide position 3607. The arginine at codon 1203 is replaced by glycine, an amino acid with dissimilar properties. This amino acid position is highly conserved in available vertebrate species. In addition, the in silico prediction for this alteration is inconclusive. Since supporting evidence is limited at this time, the clinical significance of this alteration remains unclear.

NM_000093.5(COL5A1):c.3607C>G (p.Arg1203Gly)

Gene: COL5A1 (collagen type V alpha 1 chain; plus strand). Cytogenetic location: 9q34.3.
Variant type: single nucleotide variant.
Coding change: c.3607C>G on transcript NM_000093.5 (MANE Select); coding-DNA position 3607, C replaced by G.
Protein change: p.Arg1203Gly; replaces arginine 1203 with glycine.
Molecular consequence: missense variant.
Genome position (GRCh38, 1-based): chr9:134,811,516, C>G. VCF-style: chr9-134811516-C-G. GRCh37 (hg19) VCF-style: chr9-137703362-C-G.
Other names: c.3607C>G, p.Arg1203Gly (NM_001278074.1); short protein forms R1203G.
Identifiers: ClinVar variation 1733166 (VCV001733166.2), dbSNP rs754953415, ClinGen allele CA375454095.